The following is an entry in ClinVar:

NM_025137.4(SPG11):c.6301T>G (p.Leu2101Val)

Gene: SPG11 (SPG11 vesicle trafficking associated, spatacsin; minus strand). Cytogenetic location: 15q21.1.
Variant type: single nucleotide variant.
Coding change: c.6301T>G on transcript NM_025137.4 (MANE Select); coding-DNA position 6301, T replaced by G.
Protein change: p.Leu2101Val; replaces leucine 2101 with valine.
Molecular consequence: missense variant.
Genome position (GRCh38, 1-based): chr15:44,572,725, A>C on the plus strand (T>G on the coding strand, the complement: SPG11 is on the minus strand). VCF-style: chr15-44572725-A-C. GRCh37 (hg19) VCF-style: chr15-44864923-A-C.
Other names: c.5962T>G, p.Leu1988Val (NM_001160227.2); c.6157T>G, p.Leu2053Val (NM_001411132.1); short protein forms L1988V, L2053V, L2101V.
Identifiers: ClinVar variation 1752733 (VCV001752733.5), dbSNP rs1269010181, ClinGen allele CA392217202.
Genomic context (GRCh38, chr15:44,572,725, plus strand): 5'-AAAAGGTCAATAACTTACTGCAAGACAGTTCCCCATGGGGAACGGAGGAAATCTTATCCA[A>C]CAACTTCATGCCTACCAATGTGCGGTCTTGACACAGAGTGGTCAGCTGAAGAAATGTCTG-3'
Protein context (NP_079413.3, residues 2091-2111): QDRTLVGMKL[Leu2101Val]DKISSVPHGE

ClinVar aggregate classification (germline): Uncertain significance. Review status: criteria provided, multiple submitters, no conflicts (2 of 4 stars). 2 submissions from 2 submitters: Uncertain significance (2). Last evaluated 2023-05-19.

Conditions:
Inborn genetic diseases. Identifiers: MedGen C0950123, MeSH D030342.
Hereditary spastic paraplegia 11. Also called: Nakamura Osame syndrome; Autosomal recessive hereditary spastic paraplegia, mental impairment, and thin corpus callosum; Spastic paraplegia, mental retardation and thin corpus callosum; SPASTIC PARAPLEGIA, AUTOSOMAL RECESSIVE, COMPLICATED, WITH THIN CORPUS CALLOSUM; SPASTIC PARAPLEGIA, AUTOSOMAL RECESSIVE, WITH MENTAL IMPAIRMENT AND THIN CORPUS CALLOSUM; Spastic Paraplegia 11. Identifiers: Orphanet 2822, MedGen C1858479, MONDO:0011445, OMIM 604360.

Allele frequency attached by ClinVar (database versions not stated): TOPMed below 0.00001.
gnomAD v4.1: 3 of 1,614,150 alleles (0.00019%); highest among the groups gnomAD compares: Non-Finnish European, 0.00017%; no homozygotes.

Submissions (2):

Labcorp Genetics (formerly Invitae), Labcorp
Classification: Uncertain significance for Hereditary spastic paraplegia 11. Last evaluated: 2023-05-19. Review status: criteria provided, single submitter. Criteria: Invitae Variant Classification Sherloc (09022015). Collection method: clinical testing. Allele origin: germline.
Comment: This sequence change replaces leucine, which is neutral and non-polar, with valine, which is neutral and non-polar, at codon 2101 of the SPG11 protein (p.Leu2101Val). In summary, the available evidence is currently insufficient to determine the role of this variant in disease. Therefore, it has been classified as a Variant of Uncertain Significance. Algorithms developed to predict the effect of sequence changes on RNA splicing suggest that this variant may disrupt the consensus splice site. Advanced modeling of protein sequence and biophysical properties (such as structural, functional, and spatial information, amino acid conservation, physicochemical variation, residue mobility, and thermodynamic stability) has been performed at Invitae for this missense variant, however the output from this modeling did not meet the statistical confidence thresholds required to predict the impact of this variant on SPG11 protein function. ClinVar contains an entry for this variant (Variation ID: 1752733). This variant has not been reported in the literature in individuals affected with SPG11-related conditions. This variant is not present in population databases (gnomAD no frequency).

Ambry Genetics
Classification: Uncertain significance for Inborn genetic diseases. Last evaluated: 2022-01-26. Review status: criteria provided, single submitter. Criteria: Ambry Variant Classification Scheme 2023. Collection method: clinical testing. Allele origin: germline.
Comment: The p.L2101V variant (also known as c.6301T>G), located in coding exon 33 of the SPG11 gene, results from a T to G substitution at nucleotide position 6301. The leucine at codon 2101 is replaced by valine, an amino acid with highly similar properties. This amino acid position is conserved. In addition, this alteration is predicted to be deleterious by in silico analysis. Since supporting evidence is limited at this time, the clinical significance of this alteration remains unclear.